The following is an entry in ClinVar:

ClinVar aggregate classification (germline): Conflicting classifications of pathogenicity. Review status: criteria provided, conflicting classifications (1 of 4 stars). 2 submissions from 2 submitters: Uncertain significance (1); Benign (1). Last evaluated 2024-11-10.

Allele frequency attached by ClinVar (database versions not stated): 1000 Genomes Project 30x 0.00031; ESP Exome Variant Server 0.00055; gnomAD 0.00082; TOPMed 0.00087; ExAC 0.00174.
gnomAD v4.1: 1,156 of 1,049,466 alleles (0.11%); highest among the groups gnomAD compares: Non-Finnish European, 0.16%; 2 homozygotes.

Submissions (2):

Ambry Genetics
Classification: Uncertain significance. Last evaluated: 2024-11-10. Review status: criteria provided, single submitter. Criteria: Ambry Variant Classification Scheme 2023. Collection method: clinical testing. Allele origin: germline.

CeGaT Center for Human Genetics Tuebingen
Classification: Benign. Last evaluated: 2024-09-01. Review status: criteria provided, single submitter. Criteria: CeGaT Center For Human Genetics Tuebingen Variant Classification Criteria Version 2. Collection method: clinical testing. Allele origin: germline. Affected: yes. Observed: 3 variant alleles.
Comment: BICRA: BS1, BS2

NM_001394372.1(BICRA):c.2587C>T (p.Arg863Cys)

Gene: BICRA (BRD4 interacting chromatin remodeling complex associated protein; plus strand). Cytogenetic location: 19q13.33.
Variant type: single nucleotide variant.
Coding change: c.2587C>T on transcript NM_001394372.1 (MANE Select); coding-DNA position 2587, C replaced by T.
Protein change: p.Arg863Cys; replaces arginine 863 with cysteine.
Molecular consequence: missense variant.
Genome position (GRCh38, 1-based): chr19:47,694,418, C>T. VCF-style: chr19-47694418-C-T. GRCh37 (hg19) VCF-style: chr19-48197675-C-T.
Other names: c.2587C>T, p.Arg863Cys (NM_015711.3); short protein forms R863C.
Identifiers: ClinVar variation 2672778 (VCV002672778.24), dbSNP rs375127933, ClinGen allele CA9541934.